The following is an entry in ClinVar:

NM_001127649.3(PEX26):c.*1778C>T

Gene: PEX26 (peroxisomal biogenesis factor 26; plus strand). Cytogenetic location: 22q11.21.
Variant type: single nucleotide variant.
Coding change: c.*1778C>T on transcript NM_001127649.3 (MANE Select); 1778 bases downstream of the stop codon, C replaced by T.
Molecular consequence: 3 prime UTR variant.
Genome position (GRCh38, 1-based): chr22:18,089,853, C>T. VCF-style: chr22-18089853-C-T. GRCh37 (hg19) VCF-style: chr22-18572619-C-T.
Other names: c.*1778C>T (NM_001199319.2, NM_017929.6).
Identifiers: ClinVar variation 340800 (VCV000340800.5), dbSNP rs79447039, ClinGen allele CA10653854.
Genomic context (GRCh38, chr22:18,089,853, plus strand): 5'-CCGGGTTCATGCCATTCTCCTGCCTCAGCCTCCCGAGTAGCTGGGACTACAGGTGCCCAC[C>T]ACCTCGCCTGGCTAATATTTTTGTATTTTTAGTAGAGTCTGGGTTTCACTGTGTTAGCCG-3'

ClinVar aggregate classification (germline): Benign (1 of 4 stars; one submission).

Conditions:
Peroxisome biogenesis disorder 7A (Zellweger). Also called: Peroxisome biogenesis disorder 7A. Identifiers: Orphanet 912, MedGen C3888385, MONDO:0013938, OMIM 614872.

Allele frequency attached by ClinVar (database versions not stated): gnomAD 0.01044 and 0.01095; TOPMed 0.01145; 1000 Genomes Project 30x 0.01437; 1000 Genomes Project 0.01458.

Submission:

Illumina Laboratory Services, Illumina
Classification: Benign for Peroxisome biogenesis disorder 7A (Zellweger). Last evaluated: 2018-01-13. Review status: criteria provided, single submitter. Criteria: ICSL Variant Classification Criteria 13 December 2019. Collection method: clinical testing. Allele origin: germline.
Comment: This variant was observed in the ICSL laboratory as part of a predisposition screen in an ostensibly healthy population. It had not been previously curated by ICSL or reported in the Human Gene Mutation Database (HGMD: prior to June 1st, 2018), and was therefore a candidate for classification through an automated scoring system. Utilizing variant allele frequency, disease prevalence and penetrance estimates, and inheritance mode, an automated score was calculated to assess if this variant is too frequent to cause the disease. Based on the score and internal cut-off values, a variant classified as benign is not then subjected to further curation. The score for this variant resulted in a classification of benign for this disease.